The following is an entry in ClinVar:

ClinVar aggregate classification (germline): Likely benign. Review status: criteria provided, multiple submitters, no conflicts (2 of 4 stars). 2 submissions from 2 submitters: Likely benign (2). Last evaluated 2025-12-24.

Conditions:
Congenital contractural arachnodactyly (CCA). Also called: BEALS SYNDROME; Arthrogryposis, distal, type 9; Beals-Hecht syndrome. Identifiers: Orphanet 115, MedGen C0220668, MONDO:0007363, OMIM 121050.

Allele frequency attached by ClinVar (database versions not stated): ExAC 0.00001; gnomAD 0.00001; gnomAD exomes 0.00001; TOPMed 0.00001.
gnomAD v4.1: 10 of 1,613,528 alleles (0.00062%); highest among the groups gnomAD compares: Non-Finnish European, 0.00076%; no homozygotes.

Submissions (2):

Labcorp Genetics (formerly Invitae), Labcorp
Classification: Likely benign for Congenital contractural arachnodactyly. Last evaluated: 2025-12-24. Review status: criteria provided, single submitter. Criteria: Invitae Variant Classification Sherloc (09022015). Collection method: clinical testing. Allele origin: germline.

GeneDx
Classification: Likely benign. Last evaluated: 2017-03-14. Review status: criteria provided, single submitter. Criteria: GeneDx Variant Classification (06012015). Collection method: clinical testing. Allele origin: germline. Affected: yes.
Comment: This variant is considered likely benign or benign based on one or more of the following criteria: it is a conservative change, it occurs at a poorly conserved position in the protein, it is predicted to be benign by multiple in silico algorithms, and/or has population frequency not consistent with disease.

NM_001999.4(FBN2):c.5353+20A>G

Gene: FBN2 (fibrillin 2; minus strand). Cytogenetic location: 5q23.3.
Variant type: single nucleotide variant.
Coding change: c.5353+20A>G on transcript NM_001999.4 (MANE Select); 20 bases into the intron after coding-DNA position 5353, A replaced by G.
Molecular consequence: intron variant.
Genome position (GRCh38, 1-based): chr5:128,309,227, T>C on the plus strand (A>G on the coding strand, the complement: FBN2 is on the minus strand). VCF-style: chr5-128309227-T-C. GRCh37 (hg19) VCF-style: chr5-127644919-T-C.
Identifiers: ClinVar variation 508031 (VCV000508031.6), dbSNP rs759401474, ClinGen allele CA3394731.